The following is an entry in ClinVar:

NM_006005.3(WFS1):c.2318A>G (p.Tyr773Cys)

Gene: WFS1 (wolframin ER transmembrane glycoprotein; plus strand). Cytogenetic location: 4p16.1.
Variant type: single nucleotide variant.
Coding change: c.2318A>G on transcript NM_006005.3 (MANE Select); coding-DNA position 2318, A replaced by G.
Protein change: p.Tyr773Cys; replaces tyrosine 773 with cysteine.
Molecular consequence: missense variant.
Genome position (GRCh38, 1-based): chr4:6,302,113, A>G. VCF-style: chr4-6302113-A-G. GRCh37 (hg19) VCF-style: chr4-6303840-A-G.
Other names: c.2318A>G, p.Tyr773Cys (NM_001145853.1); short protein forms Y773C.
Identifiers: ClinVar variation 1438868 (VCV001438868.7), dbSNP rs932115599, ClinGen allele CA91797043.
Genomic context (GRCh38, chr4:6,302,113, plus strand): 5'-AGCTCTGTCGCCTTAAGCTGCTGGCCAAGCACCCCTGCCACATCAAGAAGTTCGACCGCT[A>G]CAAGTTTGAGATTACCGTGGGCATGCCATTCAGCAGCGGCGCTGACGGCTCGCGCAGCCG-3'
Protein context (NP_005996.2, residues 763-783): HPCHIKKFDR[Tyr773Cys]KFEITVGMPF

ClinVar aggregate classification (germline): Uncertain significance. Review status: criteria provided, multiple submitters, no conflicts (2 of 4 stars). 2 submissions from 2 submitters: Uncertain significance (2). Last evaluated 2024-12-19.

Allele frequency attached by ClinVar (database versions not stated): gnomAD exomes 0.00001.
gnomAD v4.1: 11 of 1,612,908 alleles (0.00068%); highest among the groups gnomAD compares: Non-Finnish European, 0.00093%; no homozygotes.

Submissions (2):

GeneDx
Classification: Uncertain significance. Last evaluated: 2024-12-19. Review status: criteria provided, single submitter. Criteria: GeneDx Variant Classification Process June 2021. Collection method: clinical testing. Allele origin: germline. Affected: yes.
Comment: Not observed at significant frequency in large population cohorts (gnomAD); In silico analysis supports that this missense variant has a deleterious effect on protein structure/function; Reported in an individual with optic atrophy, detailed clinical and segregation information was not reported (PMID: 33841295); This variant is associated with the following publications: (PMID: 33841295)

Labcorp Genetics (formerly Invitae), Labcorp
Classification: Uncertain significance. Last evaluated: 2023-12-11. Review status: criteria provided, single submitter. Criteria: Invitae Variant Classification Sherloc (09022015). Collection method: clinical testing. Allele origin: germline.
Comment: This sequence change replaces tyrosine, which is neutral and polar, with cysteine, which is neutral and slightly polar, at codon 773 of the WFS1 protein (p.Tyr773Cys). This variant is not present in population databases (gnomAD no frequency). This missense change has been observed in individual(s) with optic neuropathy (PMID: 33841295). ClinVar contains an entry for this variant (Variation ID: 1438868). Advanced modeling of protein sequence and biophysical properties (such as structural, functional, and spatial information, amino acid conservation, physicochemical variation, residue mobility, and thermodynamic stability) performed at Invitae indicates that this missense variant is expected to disrupt WFS1 protein function with a positive predictive value of 95%. In summary, the available evidence is currently insufficient to determine the role of this variant in disease. Therefore, it has been classified as a Variant of Uncertain Significance.

Literature cited by the submitters: PubMed 33841295 (cited by Labcorp Genetics (formerly Invitae), Labcorp).